The following is an entry in ClinVar:

ClinVar aggregate classification (germline): Uncertain significance (1 of 4 stars; one submission).

Allele frequency attached by ClinVar (database versions not stated): gnomAD exomes below 0.00001.
gnomAD v4.1: 2 of 1,613,042 alleles (0.00012%); highest among the groups gnomAD compares: Non-Finnish European, 0.00017%; no homozygotes.

Submission:

Labcorp Genetics (formerly Invitae), Labcorp
Classification: Uncertain significance. Last evaluated: 2022-10-05. Review status: criteria provided, single submitter. Criteria: Invitae Variant Classification Sherloc (09022015). Collection method: clinical testing. Allele origin: germline.
Comment: This sequence change replaces arginine, which is basic and polar, with lysine, which is basic and polar, at codon 581 of the EGF protein (p.Arg581Lys). This variant is not present in population databases (gnomAD no frequency). This variant has not been reported in the literature in individuals affected with EGF-related conditions. ClinVar contains an entry for this variant (Variation ID: 1420462). Algorithms developed to predict the effect of missense changes on protein structure and function are either unavailable or do not agree on the potential impact of this missense change (SIFT: "Not Available"; PolyPhen-2: "Possibly Damaging"; Align-GVGD: "Not Available"). In summary, the available evidence is currently insufficient to determine the role of this variant in disease. Therefore, it has been classified as a Variant of Uncertain Significance.

NM_001963.6(EGF):c.1742G>A (p.Arg581Lys)

Gene: EGF (epidermal growth factor; plus strand). Cytogenetic location: 4q25.
Variant type: single nucleotide variant.
Coding change: c.1742G>A on transcript NM_001963.6 (MANE Select); coding-DNA position 1742, G replaced by A.
Protein change: p.Arg581Lys; replaces arginine 581 with lysine.
Molecular consequence: missense variant.
Genome position (GRCh38, 1-based): chr4:109,974,720, G>A. VCF-style: chr4-109974720-G-A. GRCh37 (hg19) VCF-style: chr4-110895876-G-A.
Other names: c.1742G>A, p.Arg581Lys (NM_001178130.3); c.1616G>A, p.Arg539Lys (NM_001178131.3, NM_001357021.2); short protein forms R539K, R581K.
Identifiers: ClinVar variation 1420462 (VCV001420462.6), dbSNP rs2126099748, ClinGen allele CA357883314.